The following is an entry in ClinVar:

NM_015206.3(MINAR1):c.2483C>T (p.Pro828Leu)

Gene: MINAR1 (membrane integral NOTCH2 associated receptor 1; plus strand). Cytogenetic location: 15q25.1.
Variant type: single nucleotide variant.
Coding change: c.2483C>T on transcript NM_015206.3 (MANE Select); coding-DNA position 2483, C replaced by T.
Protein change: p.Pro828Leu; replaces proline 828 with leucine.
Molecular consequence: missense variant.
Genome position (GRCh38, 1-based): chr15:79,463,251, C>T. VCF-style: chr15-79463251-C-T. GRCh37 (hg19) VCF-style: chr15-79755593-C-T.
Other names: short protein forms P828L.
Identifiers: ClinVar variation 3239015 (VCV003239015.19), dbSNP rs146506753.

ClinVar aggregate classification (germline): Likely benign (1 of 4 stars; one submission).

Allele frequency attached by ClinVar (database versions not stated): TOPMed 0.00101; ESP Exome Variant Server 0.00131; gnomAD exomes 0.00211; ExAC 0.00216; gnomAD 0.00326.
gnomAD v4.1: 3,561 of 1,614,216 alleles (0.22%); highest among the groups gnomAD compares: Non-Finnish European, 0.19%; 19 homozygotes.

Submission:

CeGaT Center for Human Genetics Tuebingen
Classification: Likely benign. Last evaluated: 2024-05-01. Review status: criteria provided, single submitter. Criteria: CeGaT Center For Human Genetics Tuebingen Variant Classification Criteria Version 2. Collection method: clinical testing. Allele origin: germline. Affected: yes. Observed: 1 variant allele.
Comment: MINAR1: BS2